The following is an entry in ClinVar:

ClinVar aggregate classification (germline): Pathogenic. Review status: criteria provided, single submitter (1 of 4 stars). 2 submissions from 2 submitters: Pathogenic (1). 1 of the submissions does not count toward it. Last evaluated 2023-08-05.

Conditions:
Leber congenital amaurosis 14 (LCA14). Identifiers: MedGen C2750063, MONDO:0013231, OMIM 613341.

Submissions (2):

Labcorp Genetics (formerly Invitae), Labcorp
Classification: Pathogenic. Last evaluated: 2023-08-05. Review status: criteria provided, single submitter. Criteria: Invitae Variant Classification Sherloc (09022015). Collection method: clinical testing. Allele origin: germline.
Comment: This sequence change creates a premature translational stop signal (p.Val185Glufs*6) in the LRAT gene. While this is not anticipated to result in nonsense mediated decay, it is expected to disrupt the last 46 amino acid(s) of the LRAT protein. This variant is not present in population databases (gnomAD no frequency). This variant has not been reported in the literature in individuals affected with LRAT-related conditions. Algorithms developed to predict the effect of sequence changes on RNA splicing suggest that this variant may disrupt the consensus splice site. This variant disrupts a region of the LRAT protein in which other variant(s) (p.Leu203*) have been determined to be pathogenic (Invitae). This suggests that this is a clinically significant region of the protein, and that variants that disrupt it are likely to be disease-causing. For these reasons, this variant has been classified as Pathogenic.

Laboratory of Genetics in Ophthalmology, Institut Imagine
Classification: Pathogenic for Leber congenital amaurosis 14. Review status: no assertion criteria provided. Collection method: research. Allele origin: inherited. Affected: yes. Observed: 1 variant allele. Not counted in ClinVar's aggregate classification.

NM_004744.5(LRAT):c.554_555del (p.Val185fs)

Gene: LRAT (lecithin retinol acyltransferase; plus strand). Cytogenetic location: 4q32.1.
Variant type: Microsatellite.
Coding change: c.554_555del on transcript NM_004744.5 (MANE Select); coding-DNA positions 554 to 555, 2 bases deleted (TG; older notation c.554_555delTG).
Protein change: p.Val185fs; shifts the reading frame from valine 185.
Molecular consequence: frameshift variant.
Genome position (GRCh38, 1-based): chr4:154,748,997-154,748,998, TG deleted; deleting any 2 consecutive bases within chr4:154,748,995-154,748,998 gives the same sequence; the c. name uses the placement nearest the transcript's 3' end. VCF-style (leftmost placement, unchanged base first): chr4-154748994-CTG-C. GRCh37 (hg19) VCF-style: chr4-155670146-CTG-C.
Other names: c.554_555del, p.Val185fs (NM_001301645.2); short protein forms V185fs.
Identifiers: ClinVar variation 978449 (VCV000978449.4), dbSNP rs1732935012, ClinGen allele CA1505013700.